The following is an entry in ClinVar:

NM_000444.6(PHEX):c.1080-687A>G

Gene: PHEX (phosphate regulating endopeptidase X-linked; plus strand). Cytogenetic location: Xp22.11.
Variant type: single nucleotide variant.
Coding change: c.1080-687A>G on transcript NM_000444.6 (MANE Select); 687 bases into the intron before coding-DNA position 1080, A replaced by G.
Molecular consequence: intron variant.
Genome position (GRCh38, 1-based): chrX:22,110,780, A>G. VCF-style: chrX-22110780-A-G. GRCh37 (hg19) VCF-style: chrX-22128898-A-G.
Other names: c.1080-687A>G (NM_001282754.2).
Identifiers: ClinVar variation 4795245 (VCV004795245.1).

ClinVar aggregate classification (germline): Pathogenic (1 of 4 stars; one submission).

Conditions:
Familial X-linked hypophosphatemic vitamin D refractory rickets (XLHRD). Also called: HYPOPHOSPHATEMIC VITAMIN D-RESISTANT RICKETS; X-Linked Hypophosphatemia; Hypophosphatemic Rickets, X-Linked Dominant; Hypophosphatemia, vitamin D-resistant rickets; Vitamin D-resistant rickets, X-linked. Identifiers: Orphanet 89936, MedGen C0733682, MONDO:0010619, OMIM 307800.

Submission:

Department of Clinical Genetics, Aarhus University Hospital
Classification: Pathogenic for Familial X-linked hypophosphatemic vitamin D refractory rickets. Last evaluated: 2025-08-07. Review status: criteria provided, single submitter. Criteria: ACMG Guidelines, 2015. Collection method: clinical testing, in vitro. Allele origin: inherited, not applicable. Inheritance: X-linked dominant inheritance. Affected: yes. Observed: 5 variant alleles. Functional consequence: splicing variant.
Comment: This variant was detected in a large familie of 19 family members with HH with a milder skeletal, but more severe dental phenotype (PMID: 41043570). Functional analysis by exon-trapping shows that this variant creates a new splice donor site, that together with a preexisting acceptor site forms an alternative exon causing an out of frame reading frame and loss of mRNA.